The following is an entry in ClinVar:

NM_005751.5(AKAP9):c.8017A>G (p.Lys2673Glu)

Gene: AKAP9 (A-kinase anchoring protein 9; plus strand). Cytogenetic location: 7q21.2.
Variant type: single nucleotide variant.
Coding change: c.8017A>G on transcript NM_005751.5 (MANE Select); coding-DNA position 8017, A replaced by G.
Protein change: p.Lys2673Glu; replaces lysine 2673 with glutamic acid.
Molecular consequence: missense variant.
Genome position (GRCh38, 1-based): chr7:92,080,150, A>G. VCF-style: chr7-92080150-A-G. GRCh37 (hg19) VCF-style: chr7-91709464-A-G.
Other names: c.2662A>G, p.Lys888Glu (NM_001379277.1); c.7993A>G, p.Lys2665Glu (NM_147185.3); short protein forms K888E, K2673E, K2665E.
Identifiers: ClinVar variation 4707006 (VCV004707006.1).

ClinVar aggregate classification (germline): Uncertain significance (1 of 4 stars; one submission).

Conditions:
Long QT syndrome (LQTS). Identifiers: MedGen C0023976, MeSH D008133, MONDO:0002442. Disease mechanism: loss of function. Inheritance: Various modes of inheritance.

Submission:

Labcorp Genetics (formerly Invitae), Labcorp
Classification: Uncertain significance for Long QT syndrome. Last evaluated: 2025-04-29. Review status: criteria provided, single submitter. Criteria: Invitae Variant Classification Sherloc (09022015). Collection method: clinical testing. Allele origin: germline.
Comment: This sequence change replaces lysine, which is basic and polar, with glutamic acid, which is acidic and polar, at codon 2673 of the AKAP9 protein (p.Lys2673Glu). This variant is not present in population databases (gnomAD no frequency). This variant has not been reported in the literature in individuals affected with AKAP9-related conditions. An algorithm developed to predict the effect of missense changes on protein structure and function outputs the following: PolyPhen-2: "Benign". The glutamic acid amino acid residue is found in multiple mammalian species, which suggests that this missense change does not adversely affect protein function. In summary, the available evidence is currently insufficient to determine the role of this variant in disease. Therefore, it has been classified as a Variant of Uncertain Significance.